The following is an entry in ClinVar:

ClinVar aggregate classification (germline): Likely pathogenic. Review status: criteria provided, single submitter (1 of 4 stars). 3 submissions from 3 submitters: Likely pathogenic (1). 2 of the submissions do not count toward it. Last evaluated 2021-10-12.

Conditions:
Gastric cancer. Also called: Stomach cancer; Malignant tumor of stomach. Identifiers: MedGen C0024623, MeSH D013274, MONDO:0001056, OMIM 613659, HP:0012126.
Malignant tumor of breast. Also called: Malignant breast neoplasm; Cancer breast. Identifiers: MedGen C0006142, MONDO:0007254. Disease mechanism: loss of function.

Submissions (3):

Women's Health and Genetics/Laboratory Corporation of America, LabCorp
Classification: Likely pathogenic for Malignant tumor of breast. Last evaluated: 2021-10-12. Review status: criteria provided, single submitter. Criteria: LabCorp Variant Classification Summary - May 2015. Collection method: clinical testing. Allele origin: germline.
Comment: Variant summary: PALB2 c.1451delT (p.Leu484X) results in a premature termination codon, predicted to cause a truncation of the encoded protein or absence of the protein due to nonsense mediated decay, which are commonly known mechanisms for disease. Truncations downstream of this position have been classified as pathogenic by our laboratory. The variant allele was found at a frequency of 3.7e-06 in 273852 control chromosomes (gnomAD and publication data). To our knowledge, no occurrence of c.1451delT in individuals affected with Breast Cancer and no experimental evidence demonstrating its impact on protein function have been reported. One ClinVar submitter (evaluation after 2014) cites the variant as pathogenic. Based on the evidence outlined above, the variant was classified as likely pathogenic.

Laboratory for Genotyping Development, RIKEN
Classification: Pathogenic for Gastric cancer. Last evaluated: 2021-07-01. Review status: no assertion criteria provided. Collection method: research. Allele origin: germline. Not counted in ClinVar's aggregate classification.

Leiden Open Variation Database
Classification: Pathogenic. Last evaluated: 2018-10-10. Review status: no assertion criteria provided. Collection method: curation. Allele origin: germline. Affected: yes. Not counted in ClinVar's aggregate classification.
Comment: Curators: Marc Tischkowitz, Arleen D. Auerbach. Submitter to LOVD: Yukihide Momozawa.

Literature cited by the submitters: PubMed 30287823 (cited by Women's Health and Genetics/Laboratory Corporation of America, LabCorp and Leiden Open Variation Database); PubMed 36988593 (cited by Laboratory for Genotyping Development, RIKEN).

NM_024675.4(PALB2):c.1451del (p.Ser483_Leu484insTer)

Gene: PALB2 (partner and localizer of BRCA2; minus strand). Cytogenetic location: 16p12.2.
Variant type: Deletion.
Coding change: c.1451del on transcript NM_024675.4 (MANE Select); coding-DNA position 1451, one base deleted (T; older notation c.1451delT).
Protein change: p.Ser483_Leu484insTer.
Molecular consequence: nonsense.
Genome position (GRCh38, 1-based): chr16:23,635,095, A deleted on the plus strand (T on the coding strand, the reverse complement: PALB2 is on the minus strand); the first of 2 consecutive A bases (chr16:23,635,095-23,635,096); deleting either gives the same sequence. VCF-style (leftmost placement, unchanged base first): chr16-23635094-TA-T. GRCh37 (hg19) VCF-style: chr16-23646415-TA-T.
Other names: c.1451delT (NM_024675.3).
Identifiers: ClinVar variation 830140 (VCV000830140.21), dbSNP rs1966967065, ClinGen allele CA916081858.
Genomic context (GRCh38, chr16:23,635,094, plus strand): 5'-AACTGCCTTCCTAGACAAGTCATTATCTTCAGTGGGCCCAGCGGGAGAGCTGACTTTAGT[TA>T]ATGAGAGAAGTTTCTGAGAGGTTCTTGAACTTGGTTGTCCTGTGCATGTGCCAGACATCC-3'